The following is an entry in ClinVar:

NM_003924.4(PHOX2B):c.5A>G (p.Tyr2Cys)

Genes: PHOX2B-AS1 (PHOX2B antisense RNA 1; plus strand), PHOX2B (paired like homeobox 2B; minus strand). Cytogenetic location: 4p13.
Variant type: single nucleotide variant.
Coding change: c.5A>G on transcript NM_003924.4 (MANE Select); coding-DNA position 5, A replaced by G.
Protein change: p.Tyr2Cys; replaces tyrosine 2 with cysteine.
Molecular consequence: missense variant.
Genome position (GRCh38, 1-based): chr4:41,748,606, T>C on the plus strand (A>G on the coding strand, the complement: PHOX2B is on the minus strand). VCF-style: chr4-41748606-T-C. GRCh37 (hg19) VCF-style: chr4-41750623-T-C.
Other names: c.5A>G (NM_003924.3); short protein forms Y2C.
Identifiers: ClinVar variation 1054842 (VCV001054842.10), dbSNP rs2153113087, ClinGen allele CA356741462.

ClinVar aggregate classification (germline): Uncertain significance. Review status: criteria provided, multiple submitters, no conflicts (2 of 4 stars). 2 submissions from 2 submitters: Uncertain significance (2). Last evaluated 2024-03-28.

Conditions:
Haddad syndrome (OHD). Also called: Ondine-Hirschsprung disease. Identifiers: Orphanet 99803, MedGen C1859049, MONDO:0020493.
Hereditary cancer-predisposing syndrome. Also called: Hereditary Cancer Syndrome; Tumor predisposition; Hereditary neoplastic syndrome; Neoplastic Syndromes, Hereditary. Identifiers: Orphanet 140162, MedGen C0027672, MeSH D009386, MONDO:0015356.

gnomAD v4.1: 1 of 1,613,380 alleles (0.000062%); highest among the groups gnomAD compares: Non-Finnish European, 0.000085%; no homozygotes.

Submissions (2):

Ambry Genetics
Classification: Uncertain significance for Hereditary cancer-predisposing syndrome. Last evaluated: 2024-03-28. Review status: criteria provided, single submitter. Criteria: Ambry Variant Classification Scheme 2023. Collection method: clinical testing. Allele origin: germline.
Comment: The p.Y2C variant (also known as c.5A>G), located in coding exon 1 of the PHOX2B gene, results from an A to G substitution at nucleotide position 5. The tyrosine at codon 2 is replaced by cysteine, an amino acid with highly dissimilar properties. This amino acid position is conserved. In addition, this alteration is predicted to be deleterious by in silico analysis. Based on the available evidence, the clinical significance of this alteration remains unclear.

Labcorp Genetics (formerly Invitae), Labcorp
Classification: Uncertain significance for Haddad syndrome. Last evaluated: 2020-03-08. Review status: criteria provided, single submitter. Criteria: Invitae Variant Classification Sherloc (09022015). Collection method: clinical testing. Allele origin: germline.
Comment: In summary, the available evidence is currently insufficient to determine the role of this variant in disease. Therefore, it has been classified as a Variant of Uncertain Significance. Algorithms developed to predict the effect of missense changes on protein structure and function are either unavailable or do not agree on the potential impact of this missense change (SIFT: "Deleterious"; PolyPhen-2: "Possibly Damaging"; Align-GVGD: "Class C0"). This variant has not been reported in the literature in individuals with PHOX2B-related conditions. This variant is not present in population databases (ExAC no frequency). This sequence change replaces tyrosine with cysteine at codon 2 of the PHOX2B protein (p.Tyr2Cys). The tyrosine residue is highly conserved and there is a large physicochemical difference between tyrosine and cysteine.